The following is an entry in ClinVar:

ClinVar aggregate classification (germline): Conflicting classifications of pathogenicity. Review status: criteria provided, conflicting classifications (1 of 4 stars). 2 submissions from 2 submitters: Uncertain significance (1); Likely benign (1). Last evaluated 2024-03-29.

Conditions:
Inborn genetic diseases. Identifiers: MedGen C0950123, MeSH D030342.

Allele frequency attached by ClinVar (database versions not stated): gnomAD 0.00003; gnomAD exomes 0.00003; TOPMed 0.00003; ExAC 0.00007.
gnomAD v4.1: 25 of 1,613,962 alleles (0.0015%); highest among the groups gnomAD compares: Admixed American, 0.042%; no homozygotes.

Submissions (2):

Ambry Genetics
Classification: Likely benign for Inborn genetic diseases. Last evaluated: 2024-03-29. Review status: criteria provided, single submitter. Criteria: Ambry Variant Classification Scheme 2023. Collection method: clinical testing. Allele origin: germline.

Women's Health and Genetics/Laboratory Corporation of America, LabCorp
Classification: Uncertain significance. Last evaluated: 2023-07-18. Review status: criteria provided, single submitter. Criteria: LabCorp Variant Classification Summary - May 2015. Collection method: clinical testing. Allele origin: germline.
Comment: Variant summary: ZNF462 c.3803G>A (p.Arg1268Lys) results in a conservative amino acid change located in the Zinc finger C2H2-type (IPR013087) of the encoded protein sequence. Three of five in-silico tools predict a damaging effect of the variant on protein function. The variant allele was found at a frequency of 6.8e-05 in 251468 control chromosomes (gnomAD). To our knowledge, no occurrence of c.3803G>A in individuals affected with Weiss-Kruszka Syndrome and no experimental evidence demonstrating its impact on protein function have been reported. No submitters have cited clinical-significance assessments for this variant to ClinVar after 2014. Based on the evidence outlined above, the variant was classified as uncertain significance.

NM_021224.6(ZNF462):c.3803G>A (p.Arg1268Lys)

Gene: ZNF462 (zinc finger protein 462; plus strand). Cytogenetic location: 9q31.2.
Variant type: single nucleotide variant.
Coding change: c.3803G>A on transcript NM_021224.6 (MANE Select); coding-DNA position 3803, G replaced by A.
Protein change: p.Arg1268Lys; replaces arginine 1268 with lysine.
Molecular consequence: missense variant. On other transcripts: intron variant (1).
Genome position (GRCh38, 1-based): chr9:106,927,715, G>A. VCF-style: chr9-106927715-G-A. GRCh37 (hg19) VCF-style: chr9-109689996-G-A.
Other names: c.3252+551G>A (NM_001347997.2); c.3803G>A (NM_021224.4); short protein forms R1268K.
Identifiers: ClinVar variation 2577139 (VCV002577139.2), dbSNP rs759803984, ClinGen allele CA5171723.